The following is an entry in ClinVar:

ClinVar aggregate classification (germline): Uncertain significance (1 of 4 stars; one submission).

Conditions:
PLXNA2-related disorder. Also called: PLXNA2-related condition.

Submission:

PreventionGenetics, part of Exact Sciences
Classification: Uncertain significance for PLXNA2-related condition. Last evaluated: 2024-12-10. Review status: criteria provided, single submitter. Criteria: ACMG Guidelines, 2015. Collection method: clinical testing. Allele origin: germline.
Comment: The PLXNA2 c.5017G>A variant is predicted to result in the amino acid substitution p.Val1673Met. To our knowledge, this variant has not been reported in the literature or in a large population database (gnomAD), indicating this variant is rare. At this time, the clinical significance of this variant is uncertain due to the absence of conclusive functional and genetic evidence.

NM_025179.4(PLXNA2):c.5017G>A (p.Val1673Met)

Gene: PLXNA2 (plexin A2; minus strand). Cytogenetic location: 1q32.2.
Variant type: single nucleotide variant.
Coding change: c.5017G>A on transcript NM_025179.4 (MANE Select); coding-DNA position 5017, G replaced by A.
Protein change: p.Val1673Met; replaces valine 1673 with methionine.
Molecular consequence: missense variant.
Genome position (GRCh38, 1-based): chr1:208,033,357, C>T on the plus strand (G>A on the coding strand, the complement: PLXNA2 is on the minus strand). VCF-style: chr1-208033357-C-T. GRCh37 (hg19) VCF-style: chr1-208206702-C-T.
Other names: short protein forms V1673M.
Identifiers: ClinVar variation 4999496 (VCV004999496.1).